The following is an entry in ClinVar:

ClinVar aggregate classification (germline): Uncertain significance. Review status: criteria provided, multiple submitters, no conflicts (2 of 4 stars). 2 submissions from 2 submitters: Uncertain significance (2). Last evaluated 2024-04-15.

Conditions:
Inborn genetic diseases. Identifiers: MedGen C0950123, MeSH D030342.

gnomAD v4.1: 2 of 1,612,772 alleles (0.00012%); highest among the groups gnomAD compares: Non-Finnish European, 0.00017%; no homozygotes.

Submissions (2):

Ambry Genetics
Classification: Uncertain significance for Inborn genetic diseases. Last evaluated: 2024-04-15. Review status: criteria provided, single submitter. Criteria: Ambry Variant Classification Scheme 2023. Collection method: clinical testing. Allele origin: germline.

Labcorp Genetics (formerly Invitae), Labcorp
Classification: Uncertain significance. Last evaluated: 2022-03-31. Review status: criteria provided, single submitter. Criteria: Invitae Variant Classification Sherloc (09022015). Collection method: clinical testing. Allele origin: germline.
Comment: This sequence change replaces valine, which is neutral and non-polar, with methionine, which is neutral and non-polar, at codon 1472 of the WDR62 protein (p.Val1472Met). This variant is present in population databases (no rsID available, gnomAD 0.0009%). This variant has not been reported in the literature in individuals affected with WDR62-related conditions. Algorithms developed to predict the effect of missense changes on protein structure and function (SIFT, PolyPhen-2, Align-GVGD) all suggest that this variant is likely to be tolerated. In summary, the available evidence is currently insufficient to determine the role of this variant in disease. Therefore, it has been classified as a Variant of Uncertain Significance.

NM_001083961.2(WDR62):c.4414G>A (p.Val1472Met)

Gene: WDR62 (WD repeat domain 62; plus strand). Cytogenetic location: 19q13.12.
Variant type: single nucleotide variant.
Coding change: c.4414G>A on transcript NM_001083961.2 (MANE Select); coding-DNA position 4414, G replaced by A.
Protein change: p.Val1472Met; replaces valine 1472 with methionine.
Molecular consequence: missense variant.
Genome position (GRCh38, 1-based): chr19:36,104,870, G>A. VCF-style: chr19-36104870-G-A. GRCh37 (hg19) VCF-style: chr19-36595772-G-A.
Other names: c.4399G>A, p.Val1467Met (NM_001411145.1, NM_173636.5); c.4165G>A, p.Val1389Met (NM_001411146.1); c.4063G>A, p.Val1355Met (NM_001411147.1); short protein forms V1467M, V1472M, V1389M, V1355M.
Identifiers: ClinVar variation 1928524 (VCV001928524.6), dbSNP rs944123844, ClinGen allele CA307843266.
Genomic context (GRCh38, chr19:36,104,870, plus strand): 5'-CGGACTGAGCTGGTCTCCACCTTCCTGTGGATCCACAGCCAGCTGGAGGCTGAATGCCTG[G>A]TGGGGACTAGTGTGGCCCCAGCCCAGGCTCTGCCCAGCCCAGGACCCCCGTCCCCACCGA-3'
Protein context (NP_001077430.1, residues 1462-1482): IHSQLEAECL[Val1472Met]GTSVAPAQAL